The following is an entry in ClinVar:

NC_000023.10:g.(?_148579628)_(148579848_?)dup

Gene: IDS (iduronate 2-sulfatase; minus strand). Cytogenetic location: Xq28.
Variant type: Duplication.
Identifiers: ClinVar variation 1022282 (VCV001022282.2).

ClinVar aggregate classification (germline): Uncertain significance (1 of 4 stars; one submission).

Conditions:
Mucopolysaccharidosis, MPS-II (MPS2). Also called: Mucopolysaccharidosis with skin involvement; Mucopolysaccharidosis Type II; Attenuated MPS (subtype; formerly known as mild MPS II); Severe MPS II; I2S deficiency; MPS 2. Identifiers: Orphanet 580, Orphanet 79388, MedGen C0026705, MONDO:0010674, OMIM 309900.

Submission:

Labcorp Genetics (formerly Invitae), Labcorp
Classification: Uncertain significance for Mucopolysaccharidosis, MPS-II. Last evaluated: 2020-07-30. Review status: criteria provided, single submitter. Criteria: Invitae Variant Classification Sherloc (09022015). Collection method: clinical testing. Allele origin: germline.
Comment: This variant results in a copy number gain of the genomic region encompassing exon five of the IDS gene. While the exact position of this variant cannot be determined from the data, sub-genic copy number gains are generally in tandem (PMID: 25640679). This variant is predicted to be in-frame, and likely preserves the integrity of the reading frame. This variant has not been reported in the literature in individuals with IDS-related conditions. In summary, the available evidence is currently insufficient to determine the role of this variant in disease. Therefore, it has been classified as a Variant of Uncertain Significance.

Literature cited by the submitters: PubMed 25640679.